The following is an entry in ClinVar:

NC_000015.9:g.(?_48812836)_(48905309_?)dup

Genes: FBN1 (fibrillin 1; minus strand), LOC130057018 (ATAC-STARR-seq lymphoblastoid active region 9375; plus strand), LOC113939944 (Sharpr-MPRA regulatory region 9539; plus strand), LOC126862125 (CDK7 strongly-dependent group 2 enhancer GRCh37_chr15:48821930-48823129; plus strand). Cytogenetic location: 15q21.1.
Variant type: Duplication.
Identifiers: ClinVar variation 527238 (VCV000527238.1).

ClinVar aggregate classification (germline): Likely pathogenic (1 of 4 stars; one submission).

Conditions:
Familial thoracic aortic aneurysm and aortic dissection (TAAD). Also called: Thoracic aortic aneurysms and dissections. Identifiers: Orphanet 91387, MedGen C4707243, MONDO:0019625.
Marfan syndrome (MFS). Also called: Marfan syndrome type 1; Marfan syndrome, classic; Marfan's syndrome; FBN1-Related Marfan Syndrome; MARFAN SYNDROME, TYPE I. Identifiers: Orphanet 284963, Orphanet 558, MedGen C0024796, MONDO:0007947, OMIM 154700.

Submission:

Labcorp Genetics (formerly Invitae), Labcorp
Classification: Likely pathogenic for Marfan syndrome; Familial thoracic aortic aneurysm and aortic dissection. Last evaluated: 2017-09-26. Review status: criteria provided, single submitter. Criteria: Invitae Variant Classification Sherloc (09022015). Collection method: clinical testing. Allele origin: germline.
Comment: This variant is a gross duplication of the genomic region encompassing exons 3-10 of the FBN1 gene. While the exact position of the duplicated exons cannot be determined from this data, the duplicated copy of this region is likely in tandem and may result in an absent or disrupted protein product. This variant has not been reported in the literature in individuals with FBN1-related disease. Sub-genic duplications are generally in tandem (PMID: 25640679), and result in an absent or disrupted protein. Loss-of-function variants in FBN1 are known to be pathogenic (PMID: 17657824, 19293843). In summary, the currently available evidence indicates that the variant is pathogenic, but additional data are needed to prove that conclusively. Therefore, this variant has been classified as Likely Pathogenic.